The following is an entry in ClinVar:

ClinVar aggregate classification (germline): Uncertain significance. Review status: criteria provided, multiple submitters, no conflicts (2 of 4 stars). 6 submissions from 5 submitters: Uncertain significance (6). Last evaluated 2025-05-23.

Conditions:
Cardiovascular phenotype. Identifiers: MedGen CN230736.
Fibromatosis, gingival, 1 (GINGF1). Identifiers: Orphanet 2024, MedGen C4551558, MONDO:0007609, OMIM 135300.
Noonan syndrome 4 (NS4). Also called: NOONAN SYNDROME WITH PIGMENTED VILLONODULAR SYNOVITIS; SOS1-Related Noonan Syndrome. Identifiers: Orphanet 648, MedGen C1853120, MONDO:0012547, OMIM 610733.
RASopathy. Also called: rasopathies; Noonan spectrum disorder. Identifiers: Orphanet 536391, MedGen C5555857, MONDO:0021060.

Allele frequency attached by ClinVar (database versions not stated): gnomAD exomes 0.00001 and 0.00002; ExAC 0.00002; TOPMed 0.00002.
gnomAD v4.1: 16 of 1,605,832 alleles (0.001%); highest among the groups gnomAD compares: Admixed American, 0.0033%; no homozygotes.

Submissions (6):

Labcorp Genetics (formerly Invitae), Labcorp
Classification: Uncertain significance for RASopathy. Last evaluated: 2025-05-23. Review status: criteria provided, single submitter. Criteria: Invitae Variant Classification Sherloc (09022015). Collection method: clinical testing. Allele origin: germline.
Comment: This sequence change replaces isoleucine, which is neutral and non-polar, with threonine, which is neutral and polar, at codon 856 of the SOS1 protein (p.Ile856Thr). This variant is present in population databases (rs778865680, gnomAD 0.006%). This missense change has been observed in individual(s) with SOS1-related conditions (PMID: 35352813). ClinVar contains an entry for this variant (Variation ID: 1518896). Invitae Evidence Modeling of protein sequence and biophysical properties (such as structural, functional, and spatial information, amino acid conservation, physicochemical variation, residue mobility, and thermodynamic stability) has been performed for this missense variant. However, the output from this modeling did not meet the statistical confidence thresholds required to predict the impact of this variant on SOS1 protein function. In summary, the available evidence is currently insufficient to determine the role of this variant in disease. Therefore, it has been classified as a Variant of Uncertain Significance.

Blueprint Genetics
Classification: Uncertain significance. Last evaluated: 2024-11-06. Review status: criteria provided, single submitter. Criteria: ACMG Guidelines, 2015. Collection method: clinical testing. Allele origin: germline.

AiLife Diagnostics
Classification: Uncertain significance. Last evaluated: 2022-01-18. Review status: criteria provided, single submitter. Criteria: ACMG Guidelines, 2015. Collection method: clinical testing. Allele origin: germline. Affected: yes. Observed: 1 variant allele.

Ambry Genetics
Classification: Uncertain significance for Cardiovascular phenotype. Last evaluated: 2021-11-04. Review status: criteria provided, single submitter. Criteria: Ambry Variant Classification Scheme 2023. Collection method: clinical testing. Allele origin: germline.
Comment: The p.I856T variant (also known as c.2567T>C), located in coding exon 16 of the SOS1 gene, results from a T to C substitution at nucleotide position 2567. The isoleucine at codon 856 is replaced by threonine, an amino acid with similar properties. This amino acid position is conserved. In addition, this alteration is predicted to be deleterious by in silico analysis. Since supporting evidence is limited at this time, the clinical significance of this alteration remains unclear.

Genome-Nilou Lab
Classification: Uncertain significance for Noonan syndrome 4. Review status: criteria provided, single submitter. Criteria: ACMG Guidelines, 2015. Collection method: clinical testing. Allele origin: germline.

Genome-Nilou Lab
Classification: Uncertain significance for Fibromatosis, gingival, 1. Review status: criteria provided, single submitter. Criteria: ACMG Guidelines, 2015. Collection method: clinical testing. Allele origin: germline.

Literature cited by the submitters: PubMed 35352813 (cited by Labcorp Genetics (formerly Invitae), Labcorp).

NM_005633.4(SOS1):c.2567T>C (p.Ile856Thr)

Gene: SOS1 (SOS Ras/Rac guanine nucleotide exchange factor 1; minus strand). Cytogenetic location: 2p22.1.
Variant type: single nucleotide variant.
Coding change: c.2567T>C on transcript NM_005633.4 (MANE Select); coding-DNA position 2567, T replaced by C.
Protein change: p.Ile856Thr; replaces isoleucine 856 with threonine.
Molecular consequence: missense variant.
Genome position (GRCh38, 1-based): chr2:39,007,137, A>G on the plus strand (T>C on the coding strand, the complement: SOS1 is on the minus strand). VCF-style: chr2-39007137-A-G. GRCh37 (hg19) VCF-style: chr2-39234278-A-G.
Other names: c.2546T>C, p.Ile849Thr (NM_001382394.1); c.2567T>C, p.Ile856Thr (NM_001382395.1); short protein forms I856T, I849T.
Identifiers: ClinVar variation 1518896 (VCV001518896.13), dbSNP rs778865680, ClinGen allele CA1624381.
Genomic context (GRCh38, chr2:39,007,137, plus strand): 5'-CTGACAACCTCAAGGACACCATTAAAGTTGTTCAACTCTTGAAAGACTTGTAGAATCTCA[A>G]TAATTCGACTCACCACAGCTACTCTTTCTTCTAAATTTTCAGTTTCTACAATACATCTGG-3'
Protein context (NP_005624.2, residues 846-866): EERVAVVSRI[Ile856Thr]EILQVFQELN